The following is an entry in ClinVar:

ClinVar aggregate classification (germline): Benign/Likely benign. Review status: criteria provided, multiple submitters, no conflicts (2 of 4 stars). 7 submissions from 7 submitters: Benign (6); Likely benign (1). Last evaluated 2026-04-23.

Conditions:
Hereditary cancer-predisposing syndrome. Also called: Neoplastic Syndromes, Hereditary; Hereditary Cancer Syndrome; Hereditary neoplastic syndrome; Tumor predisposition. Identifiers: Orphanet 140162, MedGen C0027672, MeSH D009386, MONDO:0015356.
Colorectal cancer, susceptibility to, 1. Also called: COLORECTAL ADENOMA AND CANCER, SUSCEPTIBILITY TO; COLORECTAL CANCER, SUSCEPTIBILITY TO, ON CHROMOSOME 9. Identifiers: MedGen C1837315, MONDO:0012132, OMIM 608812.

Allele frequency attached by ClinVar (database versions not stated): ESP Exome Variant Server 0.00046; gnomAD 0.00235 and 0.00324; gnomAD exomes 0.00265; TOPMed 0.00416; ExAC 0.00658; 1000 Genomes Project 30x 0.01421; 1000 Genomes Project 0.01558.
gnomAD v4.1: 4,368 of 1,614,064 alleles (0.27%); highest among the groups gnomAD compares: East Asian, 7.8%; 170 homozygotes.

Submissions (19):

Myriad Genetics, Inc.
Classification: Benign for Colorectal cancer, susceptibility to, 1. Last evaluated: 2026-04-23. Review status: criteria provided, single submitter. Criteria: Myriad Autosomal Dominant, Autosomal Recessive and X-Linked Classification Criteria (2023). Collection method: clinical testing. Allele origin: unknown.
Comment: This variant is considered benign. This variant is intronic and is not expected to impact mRNA splicing. This variant has been observed at a population frequency that is significantly greater than expected given the associated disease prevalence and penetrance.

Labcorp Genetics (formerly Invitae), Labcorp
Classification: Benign. Last evaluated: 2026-01-27. Review status: criteria provided, single submitter. Criteria: Invitae Variant Classification Sherloc (09022015). Collection method: clinical testing. Allele origin: germline.

Dasa
Classification: Benign. Last evaluated: 2025-11-19. Review status: criteria provided, single submitter. Criteria: DASA Assertion Criteria. Collection method: clinical testing. Allele origin: germline.
Comment: NM_024642.5(GALNT12):c.372-7T>A is a splice-region variant. Population frequency is inconsistent with a disease-causing role for this variant, and observations in unaffected individuals support a benign interpretation. Therefore, based on the currently available evidence, this variant is classified as benign.

Quest Diagnostics Nichols Institute San Juan Capistrano
Classification: Benign. Last evaluated: 2025-05-02. Review status: criteria provided, single submitter. Criteria: Quest Diagnostics criteria. Collection method: clinical testing. Allele origin: unknown.

Institute for Biomarker Research, Medical Diagnostic Laboratories, L.L.C.
Classification: Likely benign for Hereditary cancer-predisposing syndrome. Last evaluated: 2025-01-15. Review status: criteria provided, single submitter. Criteria: ACMG Guidelines, 2015. Collection method: clinical testing. Allele origin: germline.
Comment: The splice region variant NM_024642.5(GALNT12):c.372-7T>A has been reported to ClinVar as Benign with a status of (2 stars) criteria provided, multiple submitters, no conflicts (Variation ID 416211 as of 2025-01-02). The variant is observed in one or more well-documented healthy adults. For these reasons, this variant has been classified as Benign

Department of Pathology and Laboratory Medicine, Sinai Health System
Classification: Benign for colorectal cancer, susceptibility to, 1. Last evaluated: 2022-01-13. Review status: criteria provided, single submitter. Criteria: ACMG Guidelines, 2015. Collection method: clinical testing. Allele origin: germline. Affected: yes.

GeneDx
Classification: Benign. Last evaluated: 2018-07-20. Review status: criteria provided, single submitter. Criteria: GeneDx Variant Classification Process June 2021. Collection method: clinical testing. Allele origin: germline. Affected: yes.

Dr. Peter K. Rogan Lab, Western University
No classification provided (evidence only). Condition: Malignant lymphoma, large B-cell, diffuse. Review status: no classification provided. Collection method: in vitro. Allele origin: not applicable. Functional consequence: retained intron. Not counted in ClinVar's aggregate classification.

Dr. Peter K. Rogan Lab, Western University
No classification provided (evidence only). Condition: Gastric cancer. Review status: no classification provided. Collection method: in vitro. Allele origin: not applicable. Functional consequence: retained intron. Not counted in ClinVar's aggregate classification.

Dr. Peter K. Rogan Lab, Western University
No classification provided (evidence only). Condition: Gastric cancer. Review status: no classification provided. Collection method: in vitro. Allele origin: not applicable. Functional consequence: retained intron. Not counted in ClinVar's aggregate classification.

Dr. Peter K. Rogan Lab, Western University
No classification provided (evidence only). Condition: Gastric cancer. Review status: no classification provided. Collection method: in vitro. Allele origin: not applicable. Functional consequence: retained intron. Not counted in ClinVar's aggregate classification.

Dr. Peter K. Rogan Lab, Western University
No classification provided (evidence only). Condition: Malignant tumor of esophagus. Review status: no classification provided. Collection method: in vitro. Allele origin: not applicable. Functional consequence: retained intron. Not counted in ClinVar's aggregate classification.

Dr. Peter K. Rogan Lab, Western University
No classification provided (evidence only). Condition: Malignant tumor of esophagus. Review status: no classification provided. Collection method: in vitro. Allele origin: not applicable. Functional consequence: retained intron. Not counted in ClinVar's aggregate classification.

Dr. Peter K. Rogan Lab, Western University
No classification provided (evidence only). Condition: Malignant tumor of esophagus. Review status: no classification provided. Collection method: in vitro. Allele origin: not applicable. Functional consequence: skipped exon. Not counted in ClinVar's aggregate classification.

Dr. Peter K. Rogan Lab, Western University
No classification provided (evidence only). Condition: Familial pancreatic carcinoma. Review status: no classification provided. Collection method: in vitro. Allele origin: not applicable. Functional consequence: retained intron. Not counted in ClinVar's aggregate classification.

Dr. Peter K. Rogan Lab, Western University
No classification provided (evidence only). Condition: Familial pancreatic carcinoma. Review status: no classification provided. Collection method: in vitro. Allele origin: not applicable. Functional consequence: retained intron. Not counted in ClinVar's aggregate classification.

Dr. Peter K. Rogan Lab, Western University
No classification provided (evidence only). Condition: Familial pancreatic carcinoma. Review status: no classification provided. Collection method: in vitro. Allele origin: not applicable. Functional consequence: skipped exon, retained intron. Not counted in ClinVar's aggregate classification.

Dr. Peter K. Rogan Lab, Western University
No classification provided (evidence only). Condition: Hepatocellular carcinoma. Review status: no classification provided. Collection method: in vitro. Allele origin: not applicable. Functional consequence: retained intron. Not counted in ClinVar's aggregate classification.

Dr. Peter K. Rogan Lab, Western University
No classification provided (evidence only). Condition: Hepatocellular carcinoma. Review status: no classification provided. Collection method: in vitro. Allele origin: not applicable. Functional consequence: retained intron. Not counted in ClinVar's aggregate classification.

NM_024642.5(GALNT12):c.372-7T>A

Gene: GALNT12 (polypeptide N-acetylgalactosaminyltransferase 12; plus strand). Cytogenetic location: 9q22.33.
Variant type: single nucleotide variant.
Coding change: c.372-7T>A on transcript NM_024642.5 (MANE Select); 7 bases into the intron before coding-DNA position 372, T replaced by A.
Molecular consequence: intron variant.
Genome position (GRCh38, 1-based): chr9:98,823,249, T>A. VCF-style: chr9-98823249-T-A. GRCh37 (hg19) VCF-style: chr9-101585531-T-A.
Identifiers: ClinVar variation 416211 (VCV000416211.24), dbSNP rs2295923, ClinGen allele CA5153931.